The following is an entry in ClinVar:

ClinVar aggregate classification (germline): Uncertain significance. Review status: criteria provided, multiple submitters, no conflicts (2 of 4 stars). 3 submissions from 3 submitters: Uncertain significance (3). Last evaluated 2025-09-14.

Conditions:
Inborn genetic diseases. Identifiers: MedGen C0950123, MeSH D030342.

Allele frequency attached by ClinVar (database versions not stated): gnomAD exomes 0.00002 and 0.00007; TOPMed 0.00002; ExAC 0.00005; gnomAD 0.00006; ESP Exome Variant Server 0.00008.
gnomAD v4.1: 39 of 1,612,162 alleles (0.0024%); highest among the groups gnomAD compares: Non-Finnish European, 0.00085%; no homozygotes.

Submissions (3):

Labcorp Genetics (formerly Invitae), Labcorp
Classification: Uncertain significance. Last evaluated: 2025-09-14. Review status: criteria provided, single submitter. Criteria: Invitae Variant Classification Sherloc (09022015). Collection method: clinical testing. Allele origin: germline.
Comment: This sequence change replaces serine, which is neutral and polar, with leucine, which is neutral and non-polar, at codon 623 of the PDE6B protein (p.Ser623Leu). This variant is present in population databases (rs368095904, gnomAD 0.06%). This variant has not been reported in the literature in individuals affected with PDE6B-related conditions. ClinVar contains an entry for this variant (Variation ID: 998763). Invitae Evidence Modeling of protein sequence and biophysical properties (such as structural, functional, and spatial information, amino acid conservation, physicochemical variation, residue mobility, and thermodynamic stability) indicates that this missense variant is expected to disrupt PDE6B protein function with a positive predictive value of 95%. In summary, the available evidence is currently insufficient to determine the role of this variant in disease. Therefore, it has been classified as a Variant of Uncertain Significance.

Ambry Genetics
Classification: Uncertain significance for Inborn genetic diseases. Last evaluated: 2025-05-20. Review status: criteria provided, single submitter. Criteria: Ambry Variant Classification Scheme 2023. Collection method: clinical testing. Allele origin: germline.

Blueprint Genetics
Classification: Uncertain significance. Last evaluated: 2022-05-23. Review status: criteria provided, single submitter. Criteria: ACMG Guidelines, 2015. Collection method: clinical testing. Allele origin: germline.

NM_000283.4(PDE6B):c.1868C>T (p.Ser623Leu)

Gene: PDE6B (phosphodiesterase 6B; plus strand). Cytogenetic location: 4p16.3.
Variant type: single nucleotide variant.
Coding change: c.1868C>T on transcript NM_000283.4 (MANE Select); coding-DNA position 1868, C replaced by T.
Protein change: p.Ser623Leu; replaces serine 623 with leucine.
Molecular consequence: missense variant.
Genome position (GRCh38, 1-based): chr4:663,135, C>T. VCF-style: chr4-663135-C-T. GRCh37 (hg19) VCF-style: chr4-656924-C-T.
Other names: c.1868C>T, p.Ser623Leu (NM_001145291.2); c.1031C>T, p.Ser344Leu (NM_001145292.2, NM_001350154.3, NM_001379246.1 and 1 more transcripts); c.713C>T, p.Ser238Leu (NM_001350155.3); c.1868C>T (NM_000283.3); short protein forms S238L, S344L, S623L.
Identifiers: ClinVar variation 998763 (VCV000998763.12), dbSNP rs368095904, ClinGen allele CA2794737.